The following is an entry in ClinVar:

ClinVar aggregate classification (germline): Likely benign. Review status: criteria provided, multiple submitters, no conflicts (2 of 4 stars). 3 submissions from 3 submitters: Likely benign (2). 1 of the submissions does not count toward it. Last evaluated 2026-02-01.

Conditions:
CTNND1-related disorder. Also called: CTNND1-related condition.

Allele frequency attached by ClinVar (database versions not stated): ExAC 0.00162; 1000 Genomes Project 30x 0.00203; 1000 Genomes Project 0.00240; ESP Exome Variant Server 0.00024; TOPMed 0.00028; gnomAD 0.00056; gnomAD exomes 0.00093.

Submissions (3):

CeGaT Center for Human Genetics Tuebingen
Classification: Likely benign. Last evaluated: 2026-02-01. Review status: criteria provided, single submitter. Criteria: CeGaT Center For Human Genetics Tuebingen Variant Classification Criteria Version 2. Collection method: clinical testing. Allele origin: germline. Affected: yes. Observed: 1 variant allele.
Comment: CTNND1: BS1

Blueprint Genetics
Classification: Likely benign. Last evaluated: 2024-11-19. Review status: criteria provided, single submitter. Criteria: ACMG Guidelines, 2015. Collection method: clinical testing. Allele origin: germline.

PreventionGenetics, part of Exact Sciences
Classification: Likely benign for CTNND1-related condition. Last evaluated: 2022-08-30. Review status: no assertion criteria provided. Collection method: clinical testing. Allele origin: germline. Not counted in ClinVar's aggregate classification.
Comment: This variant is classified as likely benign based on ACMG/AMP sequence variant interpretation guidelines (Richards et al. 2015 PMID: 25741868, with internal and published modifications).

NM_001085458.2(CTNND1):c.860G>A (p.Arg287His)

Genes: CTNND1 (catenin delta 1; plus strand), TMX2-CTNND1 (TMX2-CTNND1 readthrough (NMD candidate); plus strand). Cytogenetic location: 11q12.1.
Variant type: single nucleotide variant.
Coding change: c.860G>A on transcript NM_001085458.2 (MANE Select); coding-DNA position 860, G replaced by A.
Protein change: p.Arg287His; replaces arginine 287 with histidine.
Molecular consequence: missense variant. On other transcripts: non-coding transcript variant (1).
Genome position (GRCh38, 1-based): chr11:57,796,896, G>A. VCF-style: chr11-57796896-G-A. GRCh37 (hg19) VCF-style: chr11-57564368-G-A.
Other names: c.860G>A, p.Arg287His (NM_001085459.2, NM_001085460.2, NM_001085461.2 and 3 more transcripts); c.557G>A, p.Arg186His (NM_001085463.2, NM_001085464.2, NM_001085465.2 and 5 more transcripts); c.698G>A, p.Arg233His (NM_001206883.2, NM_001206884.2, NM_001206886.2 and 4 more transcripts); short protein forms R186H, R233H, R287H.
Identifiers: ClinVar variation 3039502 (VCV003039502.7), dbSNP rs200914456, ClinGen allele CA6010315.
Genomic context (GRCh38, chr11:57,796,896, plus strand): 5'-GGAGCAGCGTGGATCTGCATCGCTTTCATCCAGAGCCTTATGGGCTAGAGGATGACCAGC[G>A]TAGTATGGGCTATGATGACCTGGATTATGGTATGATGTCTGATTATGGCACTGCCCGTCG-3'
Protein context (NP_001078927.1, residues 277-297): PEPYGLEDDQ[Arg287His]SMGYDDLDYG